The following is an entry in ClinVar:

NM_000548.5(TSC2):c.4051G>A (p.Glu1351Lys)

Gene: TSC2 (TSC complex subunit 2; plus strand). Cytogenetic location: 16p13.3.
Variant type: single nucleotide variant.
Coding change: c.4051G>A on transcript NM_000548.5 (MANE Select); coding-DNA position 4051, G replaced by A.
Protein change: p.Glu1351Lys; replaces glutamic acid 1351 with lysine.
Molecular consequence: missense variant.
Genome position (GRCh38, 1-based): chr16:2,084,273, G>A. VCF-style: chr16-2084273-G-A. GRCh37 (hg19) VCF-style: chr16-2134274-G-A.
Other names: c.3850G>A, p.Glu1284Lys (NM_001077183.3); c.3982G>A, p.Glu1328Lys (NM_001114382.3); c.3742G>A, p.Glu1248Lys (NM_001318827.2); c.3706G>A, p.Glu1236Lys (NM_001318829.2); c.3319G>A, p.Glu1107Lys (NM_001318831.2); c.3883G>A, p.Glu1295Lys (NM_001318832.2); c.3853G>A, p.Glu1285Lys (NM_001363528.2); c.3919G>A, p.Glu1307Lys (NM_001370404.1); and 1 more; short protein forms E1351K, E1284K, E1107K, E1308K, E1328K, E1248K, E1295K, E1236K.
Identifiers: ClinVar variation 238040 (VCV000238040.14), dbSNP rs878854101, ClinGen allele CA10583329.

ClinVar aggregate classification (germline): Conflicting classifications of pathogenicity. Review status: criteria provided, conflicting classifications (1 of 4 stars). 3 submissions from 3 submitters: Uncertain significance (1); Likely benign (2). Last evaluated 2025-08-18.

Conditions:
Tuberous sclerosis 2 (TSC2). Identifiers: Orphanet 805, MedGen C1860707, MONDO:0013199, OMIM 613254.
Hereditary cancer-predisposing syndrome. Also called: Tumor predisposition; Hereditary Cancer Syndrome; Hereditary neoplastic syndrome; Neoplastic Syndromes, Hereditary. Identifiers: Orphanet 140162, MedGen C0027672, MeSH D009386, MONDO:0015356.
Tuberous sclerosis syndrome (TSC). Also called: Tuberous Sclerosis Complex; Tuberous sclerosis. Identifiers: Orphanet 805, MedGen C0041341, MONDO:0001734.

Allele frequency attached by ClinVar (database versions not stated): gnomAD exomes below 0.00001.
gnomAD v4.1: 5 of 1,610,516 alleles (0.00031%); highest among the groups gnomAD compares: Non-Finnish European, 0.00042%; no homozygotes.

Submissions (3):

Labcorp Genetics (formerly Invitae), Labcorp
Classification: Likely benign for Tuberous sclerosis 2. Last evaluated: 2025-08-18. Review status: criteria provided, single submitter. Criteria: Invitae Variant Classification Sherloc (09022015). Collection method: clinical testing. Allele origin: germline.

All of Us Research Program, National Institutes of Health
Classification: Uncertain significance for Tuberous sclerosis syndrome. Last evaluated: 2023-06-26. Review status: criteria provided, single submitter. Criteria: ACMG Guidelines, 2015. Collection method: clinical testing. Allele origin: germline. Inheritance: Autosomal dominant inheritance. Observed: 1 variant allele, 1 heterozygote.
Comment: This missense variant replaces glutamic acid with lysine at codon 1351 of the TSC2 protein. Computational prediction is inconclusive regarding the impact of this variant on protein structure and function (internally defined REVEL score threshold 0.5 < inconclusive < 0.7, PMID: 27666373). To our knowledge, functional studies have not been reported for this variant. This variant has not been reported in individuals affected with TSC2-related disorders in the literature. This variant has been identified in 1/242670 chromosomes in the general population by the Genome Aggregation Database (gnomAD). The available evidence is insufficient to determine the role of this variant in disease conclusively. Therefore, this variant is classified as a Variant of Uncertain Significance.

This study involves interpretation of variants in research participants for the purpose of population health screening. Participant phenotype was not available at the time of variant classification. Additional details can be found in publication PMID: 35346344, PMCID: PMC8962531

Ambry Genetics
Classification: Likely benign for Hereditary cancer-predisposing syndrome. Last evaluated: 2023-02-02. Review status: criteria provided, single submitter. Criteria: Ambry Variant Classification Scheme 2023. Collection method: clinical testing. Allele origin: germline.